The following is an entry in ClinVar:

NM_006086.4(TUBB3):c.71T>C (p.Ile24Thr)

Gene: TUBB3 (tubulin beta 3 class III; plus strand). Cytogenetic location: 16q24.3.
Variant type: single nucleotide variant.
Coding change: c.71T>C on transcript NM_006086.4 (MANE Select); coding-DNA position 71, T replaced by C.
Protein change: p.Ile24Thr; replaces isoleucine 24 with threonine.
Molecular consequence: missense variant. On other transcripts: 5 prime UTR variant (1).
Genome position (GRCh38, 1-based): chr16:89,932,584, T>C. VCF-style: chr16-89932584-T-C. GRCh37 (hg19) VCF-style: chr16-89998992-T-C.
Other names: c.-146T>C (NM_001197181.2); short protein forms I24T.
Identifiers: ClinVar variation 593935 (VCV000593935.7), dbSNP rs1567763964, ClinGen allele CA397470692.
Genomic context (GRCh38, chr16:89,932,584, plus strand): 5'-GGGGCTATGGGCCGGTGCCGACCCCCCCTCTCCCACTTTGTTTGCAGTTCTGGGAAGTCA[T>C]CAGTGATGAGCATGGCATCGACCCCAGCGGCAACTACGTGGGCGACTCGGACTTGCAGCT-3'
Protein context (NP_006077.2, residues 14-34): NQIGAKFWEV[Ile24Thr]SDEHGIDPSG

ClinVar aggregate classification (germline): Uncertain significance. Review status: criteria provided, multiple submitters, no conflicts (2 of 4 stars). 2 submissions from 2 submitters: Uncertain significance (2). Last evaluated 2019-05-23.

Allele frequency attached by ClinVar (database versions not stated): gnomAD exomes below 0.00001.
gnomAD v4.1: 4 of 1,614,082 alleles (0.00025%); highest among the groups gnomAD compares: Non-Finnish European, 0.00025%; no homozygotes.

Submissions (2):

GeneDx
Classification: Uncertain significance. Last evaluated: 2019-05-23. Review status: criteria provided, single submitter. Criteria: GeneDx Variant Classification Process June 2021. Collection method: clinical testing. Allele origin: germline. Affected: yes.
Comment: Not observed in large population cohorts (Lek et al., 2016); The majority of missense variants in this gene are considered pathogenic (Stenson et al., 2014); In silico analysis, which includes protein predictors and evolutionary conservation, supports a deleterious effect; Has not been previously published as pathogenic or benign to our knowledge; Reported in ClinVar but additional evidence is not available (ClinVar Variant ID# 593935; Landrum et al., 2016)

Eurofins Ntd Llc (ga)
Classification: Uncertain significance. Last evaluated: 2017-08-31. Review status: criteria provided, single submitter. Criteria: EGL Classification Definitions 2015. Collection method: clinical testing. Allele origin: germline. Observed: 1 variant allele, 1 heterozygote.